The following is an entry in ClinVar:

NM_000368.5(TSC1):c.2899G>C (p.Gly967Arg)

Gene: TSC1 (TSC complex subunit 1; minus strand). Cytogenetic location: 9q34.13.
Variant type: single nucleotide variant.
Coding change: c.2899G>C on transcript NM_000368.5 (MANE Select); coding-DNA position 2899, G replaced by C.
Protein change: p.Gly967Arg; replaces glycine 967 with arginine.
Molecular consequence: missense variant. On other transcripts: non-coding transcript variant (5).
Genome position (GRCh38, 1-based): chr9:132,897,260, C>G on the plus strand (G>C on the coding strand, the complement: TSC1 is on the minus strand). VCF-style: chr9-132897260-C-G. GRCh37 (hg19) VCF-style: chr9-135772647-C-G.
Other names: c.2899G>C, p.Gly967Arg (NM_001406596.1, NM_001406592.1, NM_001406593.1 and 2 more transcripts); c.2896G>C, p.Gly966Arg (NM_001406597.1, NM_001406598.1, NM_001406599.1 and 2 more transcripts); c.2884G>C, p.Gly962Arg (NM_001406601.1, NM_001406602.1); c.2881G>C, p.Gly961Arg (NM_001406603.1, NM_001406604.1); c.2857G>C, p.Gly953Arg (NM_001406605.1, NM_001406606.1, NM_001406607.1); c.2536G>C, p.Gly846Arg (NM_001406615.1, NM_001406616.1, NM_001406617.1 and 4 more transcripts); c.2533G>C, p.Gly845Arg (NM_001406620.1, NM_001406621.1, NM_001406622.1 and 1 more transcripts); c.2494G>C, p.Gly832Arg (NM_001406624.1); and 8 more; short protein forms G616R, G845R, G961R, G650R, G832R, G846R, G952R, G962R.
Identifiers: ClinVar variation 3720843 (VCV003720843.2).
Genomic context (GRCh38, chr9:132,897,260, plus strand): 5'-CAGCTGCTTCTGCTTTTTCTTCTTCAAGTTTTTTCAGGAGGCCATCTTTCTCCAACCTGC[C>G]ATATAAATCTAAGATCTCCAATTCAAACACCTGGGTTATCCTTTTCTGAGCCTCATACCT-3'
Protein context (NP_000359.1, residues 957-977): VFELEILDLY[Gly967Arg]RLEKDGLLKK

ClinVar aggregate classification (germline): Uncertain significance (1 of 4 stars; one submission).

Conditions:
Tuberous sclerosis 1 (TSC1). Identifiers: Orphanet 805, MedGen C1854465, MONDO:0008612, OMIM 191100.

Submission:

Labcorp Genetics (formerly Invitae), Labcorp
Classification: Uncertain significance for Tuberous sclerosis 1. Last evaluated: 2025-01-28. Review status: criteria provided, single submitter. Criteria: Invitae Variant Classification Sherloc (09022015). Collection method: clinical testing. Allele origin: germline.
Comment: This sequence change replaces glycine, which is neutral and non-polar, with arginine, which is basic and polar, at codon 967 of the TSC1 protein (p.Gly967Arg). This variant is not present in population databases (gnomAD no frequency). This variant has not been reported in the literature in individuals affected with TSC1-related conditions. Invitae Evidence Modeling of protein sequence and biophysical properties (such as structural, functional, and spatial information, amino acid conservation, physicochemical variation, residue mobility, and thermodynamic stability) indicates that this missense variant is not expected to disrupt TSC1 protein function with a negative predictive value of 95%. In summary, the available evidence is currently insufficient to determine the role of this variant in disease. Therefore, it has been classified as a Variant of Uncertain Significance.